The following is an entry in ClinVar:

ClinVar aggregate classification (germline): Uncertain significance (1 of 4 stars; one submission).

Conditions:
Chédiak-Higashi syndrome (CHS). Also called: Chediak-Higashi Syndrome. Identifiers: Orphanet 167, MedGen C0007965, MONDO:0008963, OMIM 214500.

Allele frequency attached by ClinVar (database versions not stated): TOPMed below 0.00001; ExAC 0.00001; gnomAD 0.00001; gnomAD exomes 0.00001.
gnomAD v4.1: 11 of 1,613,914 alleles (0.00068%); highest among the groups gnomAD compares: Non-Finnish European, 0.00093%; no homozygotes.

Submission:

Labcorp Genetics (formerly Invitae), Labcorp
Classification: Uncertain significance for Chédiak-Higashi syndrome. Last evaluated: 2022-03-26. Review status: criteria provided, single submitter. Criteria: Invitae Variant Classification Sherloc (09022015). Collection method: clinical testing. Allele origin: germline.
Comment: In summary, the available evidence is currently insufficient to determine the role of this variant in disease. Therefore, it has been classified as a Variant of Uncertain Significance. Algorithms developed to predict the effect of missense changes on protein structure and function are either unavailable or do not agree on the potential impact of this missense change (SIFT: "Deleterious"; PolyPhen-2: "Probably Damaging"; Align-GVGD: "Class C0"). This variant has not been reported in the literature in individuals affected with LYST-related conditions. This variant is present in population databases (rs757066505, gnomAD 0.0009%). This sequence change replaces glutamic acid, which is acidic and polar, with valine, which is neutral and non-polar, at codon 435 of the LYST protein (p.Glu435Val).

NM_000081.4(LYST):c.1304A>T (p.Glu435Val)

Gene: LYST (lysosomal trafficking regulator; minus strand). Cytogenetic location: 1q42.3.
Variant type: single nucleotide variant.
Coding change: c.1304A>T on transcript NM_000081.4 (MANE Select); coding-DNA position 1304, A replaced by T.
Protein change: p.Glu435Val; replaces glutamic acid 435 with valine.
Molecular consequence: missense variant.
Genome position (GRCh38, 1-based): chr1:235,809,514, T>A on the plus strand (A>T on the coding strand, the complement: LYST is on the minus strand). VCF-style: chr1-235809514-T-A. GRCh37 (hg19) VCF-style: chr1-235972814-T-A.
Other names: c.1304A>T, p.Glu435Val (NM_001301365.1); short protein forms E435V.
Identifiers: ClinVar variation 2117303 (VCV002117303.2), dbSNP rs757066505, ClinGen allele CA1467487.